The following is an entry in ClinVar:

ClinVar aggregate classification (germline): Benign. Review status: criteria provided, multiple submitters, no conflicts (2 of 4 stars). 3 submissions from 3 submitters: Benign (3). Last evaluated 2019-12-31.

Conditions:
Long QT syndrome (LQTS). Identifiers: MedGen C0023976, MeSH D008133, MONDO:0002442. Disease mechanism: loss of function. Inheritance: Various modes of inheritance.

Allele frequency attached by ClinVar (database versions not stated): gnomAD 0.18727 and 0.19241; TOPMed 0.19113; 1000 Genomes Project 30x 0.23251; 1000 Genomes Project 0.23582.
gnomAD v4.1: 114,100 of 582,146 alleles (20%); highest among the groups gnomAD compares: East Asian, 36%; 12,271 homozygotes.

Submissions (3):

Labcorp Genetics (formerly Invitae), Labcorp
Classification: Benign for Long QT syndrome. Last evaluated: 2019-12-31. Review status: criteria provided, single submitter. Criteria: Invitae Variant Classification Sherloc (09022015). Collection method: clinical testing. Allele origin: germline.

GeneDx
Classification: Benign. Last evaluated: 2018-06-14. Review status: criteria provided, single submitter. Criteria: GeneDx Variant Classification (06012015). Collection method: clinical testing. Allele origin: germline. Affected: yes.
Comment: This variant is considered likely benign or benign based on one or more of the following criteria: it is a conservative change, it occurs at a poorly conserved position in the protein, it is predicted to be benign by multiple in silico algorithms, and/or has population frequency not consistent with disease.

Breakthrough Genomics
Classification: Benign. Review status: criteria provided, single submitter. Criteria: ACMG Guidelines, 2015. Collection method: not provided. Allele origin: germline. Inheritance: Autosomal dominant inheritance. Affected: yes.

NM_000719.7(CACNA1C):c.3356+180C>T

Gene: CACNA1C (calcium voltage-gated channel subunit alpha1 C; plus strand). Cytogenetic location: 12p13.33.
Variant type: single nucleotide variant.
Coding change: c.3356+180C>T on transcript NM_000719.7 (MANE Select); 180 bases into the intron after coding-DNA position 3356, C replaced by T.
Molecular consequence: intron variant.
Genome position (GRCh38, 1-based): chr12:2,607,310, C>T. VCF-style: chr12-2607310-C-T. GRCh37 (hg19) VCF-style: chr12-2716476-C-T.
Other names: c.3356+180C>T (NM_001167624.3, NM_001167623.2, NM_001167625.2 and 15 more transcripts); c.3416+180C>T (NM_199460.4, NM_001129827.2, NM_001129832.2); c.3347+180C>T (NM_001129844.2).
Identifiers: ClinVar variation 671804 (VCV000671804.6), dbSNP rs215993, ClinGen allele CA13751704.
Genomic context (GRCh38, chr12:2,607,310, plus strand): 5'-GTCCTCCCCAGGCAGTGAGGTGTATTTCTAGAACTTACAGTCCACTGTCACTGCTGAAAC[C>T]GACTCTTCTTTCTCTAGAAGGTGTCAAGAAACTCCCACCAAAAGTGACCTTTTTTTAGCC-3'